The following is an entry in ClinVar:

NM_000268.4(NF2):c.157A>T (p.Thr53Ser)

Gene: NF2 (NF2, moesin-ezrin-radixin like (MERLIN) tumor suppressor; plus strand). Cytogenetic location: 22q12.2.
Variant type: single nucleotide variant.
Coding change: c.157A>T on transcript NM_000268.4 (MANE Select); coding-DNA position 157, A replaced by T.
Protein change: p.Thr53Ser; replaces threonine 53 with serine.
Molecular consequence: missense variant. On other transcripts: 5 prime UTR variant (2), intron variant (6).
Genome position (GRCh38, 1-based): chr22:29,636,793, A>T. VCF-style: chr22-29636793-A-T. GRCh37 (hg19) VCF-style: chr22-30032782-A-T.
Other names: c.43A>T, p.Thr15Ser (NM_001407053.1, NM_001407056.1); c.157A>T, p.Thr53Ser (NM_001407054.1, NM_001407057.1, NM_001407058.1 and 9 more transcripts); c.-484A>T (NM_001407065.1); c.-100A>T (NM_001407067.1); c.115-2297A>T (NM_181828.3, NM_001407055.1); c.115-5409A>T (NM_001407063.1, NM_181830.3, NM_001407064.1 and 1 more transcripts); short protein forms T15S, T53S.
Identifiers: ClinVar variation 3299447 (VCV003299447.2).

ClinVar aggregate classification (germline): Uncertain significance. Review status: criteria provided, multiple submitters, no conflicts (2 of 4 stars). 2 submissions from 2 submitters: Uncertain significance (2). Last evaluated 2025-05-21.

Conditions:
Hereditary cancer-predisposing syndrome. Also called: Neoplastic Syndromes, Hereditary; Hereditary Cancer Syndrome; Hereditary neoplastic syndrome; Tumor predisposition. Identifiers: Orphanet 140162, MedGen C0027672, MeSH D009386, MONDO:0015356.
Neurofibromatosis, type 2 (SWNV). Also called: NF2-Related Schwannomatosis; BILATERAL ACOUSTIC NEUROFIBROMATOSIS; SCHWANNOMATOSIS, VESTIBULAR. Identifiers: Orphanet 637, MedGen C0027832, MONDO:0007039, OMIM 101000. Disease mechanism: loss of function.

Submissions (2):

Labcorp Genetics (formerly Invitae), Labcorp
Classification: Uncertain significance for Neurofibromatosis, type 2. Last evaluated: 2025-05-21. Review status: criteria provided, single submitter. Criteria: Invitae Variant Classification Sherloc (09022015). Collection method: clinical testing. Allele origin: germline.
Comment: This sequence change replaces threonine, which is neutral and polar, with serine, which is neutral and polar, at codon 53 of the NF2 protein (p.Thr53Ser). This variant is not present in population databases (gnomAD no frequency). This variant has not been reported in the literature in individuals affected with NF2-related conditions. ClinVar contains an entry for this variant (Variation ID: 3299447). Invitae Evidence Modeling of protein sequence and biophysical properties (such as structural, functional, and spatial information, amino acid conservation, physicochemical variation, residue mobility, and thermodynamic stability) has been performed for this missense variant. However, the output from this modeling did not meet the statistical confidence thresholds required to predict the impact of this variant on NF2 protein function. In summary, the available evidence is currently insufficient to determine the role of this variant in disease. Therefore, it has been classified as a Variant of Uncertain Significance.

Ambry Genetics
Classification: Uncertain significance for Hereditary cancer-predisposing syndrome. Last evaluated: 2024-06-19. Review status: criteria provided, single submitter. Criteria: Ambry Variant Classification Scheme 2023. Collection method: clinical testing. Allele origin: germline.
Comment: The p.T53S variant (also known as c.157A>T), located in coding exon 2 of the NF2 gene, results from an A to T substitution at nucleotide position 157. The threonine at codon 53 is replaced by serine, an amino acid with similar properties. This amino acid position is conserved. In addition, the in silico prediction for this alteration is inconclusive. Based on the available evidence, the clinical significance of this variant remains unclear.